The following is an entry in ClinVar:

NM_000540.3(RYR1):c.4733T>G (p.Met1578Arg)

Gene: RYR1 (ryanodine receptor 1; plus strand). Cytogenetic location: 19q13.2.
Variant type: single nucleotide variant.
Coding change: c.4733T>G on transcript NM_000540.3 (MANE Select); coding-DNA position 4733, T replaced by G.
Protein change: p.Met1578Arg; replaces methionine 1578 with arginine.
Molecular consequence: missense variant.
Genome position (GRCh38, 1-based): chr19:38,483,315, T>G. VCF-style: chr19-38483315-T-G. GRCh37 (hg19) VCF-style: chr19-38973955-T-G.
Other names: c.4733T>G, p.Met1578Arg (NM_001042723.2); short protein forms M1578R.
Identifiers: ClinVar variation 1498339 (VCV001498339.8), dbSNP rs2145528779, ClinGen allele CA405650187.

ClinVar aggregate classification (germline): Uncertain significance (1 of 4 stars; one submission).

Conditions:
RYR1-related disorder. Also called: RYR1-related condition; RYR1-related disorders. Identifiers: MedGen CN239331.

Allele frequency attached by ClinVar (database versions not stated): gnomAD exomes below 0.00001.

Submission:

Labcorp Genetics (formerly Invitae), Labcorp
Classification: Uncertain significance for RYR1-related disorder. Last evaluated: 2021-08-30. Review status: criteria provided, single submitter. Criteria: Invitae Variant Classification Sherloc (09022015). Collection method: clinical testing. Allele origin: germline.
Comment: This sequence change replaces methionine with arginine at codon 1578 of the RYR1 protein (p.Met1578Arg). The methionine residue is highly conserved and there is a moderate physicochemical difference between methionine and arginine. This variant is not present in population databases (ExAC no frequency). This variant has been observed in individual(s) with clinical features of RYR1-related conditions (Invitae). Advanced modeling of protein sequence and biophysical properties (such as structural, functional, and spatial information, amino acid conservation, physicochemical variation, residue mobility, and thermodynamic stability) performed at Invitae indicates that this missense variant is expected to disrupt RYR1 protein function. In summary, the available evidence is currently insufficient to determine the role of this variant in disease. Therefore, it has been classified as a Variant of Uncertain Significance.